The following is an entry in ClinVar:

ClinVar aggregate classification (germline): Uncertain significance (1 of 4 stars; one submission).

Allele frequency attached by ClinVar (database versions not stated): gnomAD exomes below 0.00001.
gnomAD v4.1: 1 of 1,550,698 alleles (0.000064%); highest among the groups gnomAD compares: Non-Finnish European, 0.000089%; no homozygotes.

Submission:

Labcorp Genetics (formerly Invitae), Labcorp
Classification: Uncertain significance. Last evaluated: 2022-06-03. Review status: criteria provided, single submitter. Criteria: Invitae Variant Classification Sherloc (09022015). Collection method: clinical testing. Allele origin: germline.
Comment: In summary, the available evidence is currently insufficient to determine the role of this variant in disease. Therefore, it has been classified as a Variant of Uncertain Significance. Algorithms developed to predict the effect of missense changes on protein structure and function output the following: SIFT: "Deleterious"; PolyPhen-2: "Benign"; Align-GVGD: "Class C0". The threonine amino acid residue is found in multiple mammalian species, which suggests that this missense change does not adversely affect protein function. This variant has not been reported in the literature in individuals affected with MSH3-related conditions. This variant is not present in population databases (gnomAD no frequency). This sequence change replaces proline, which is neutral and non-polar, with threonine, which is neutral and polar, at codon 522 of the MSH3 protein (p.Pro522Thr).

NM_002439.5(MSH3):c.1564C>A (p.Pro522Thr)

Gene: MSH3 (mutS homolog 3; plus strand). Cytogenetic location: 5q14.1.
Variant type: single nucleotide variant.
Coding change: c.1564C>A on transcript NM_002439.5 (MANE Select); coding-DNA position 1564, C replaced by A.
Protein change: p.Pro522Thr; replaces proline 522 with threonine.
Molecular consequence: missense variant.
Genome position (GRCh38, 1-based): chr5:80,728,961, C>A. VCF-style: chr5-80728961-C-A. GRCh37 (hg19) VCF-style: chr5-80024780-C-A.
Other names: short protein forms P522T.
Identifiers: ClinVar variation 2002166 (VCV002002166.4), dbSNP rs2546754722, ClinGen allele CA360274385.